The following is an entry in ClinVar:

ClinVar aggregate classification (germline): Benign (1 of 4 stars; one submission).

Conditions:
Charcot-Marie-Tooth disease type 1C. Also called: CHARCOT-MARIE-TOOTH DISEASE, DEMYELINATING, TYPE 1C; CMT, SLOW NERVE CONDUCTION TYPE C; HMSN IC; Charcot-Marie-Tooth disease, type IC; CHARCOT-MARIE-TOOTH NEUROPATHY, TYPE 1C; NEUROPATHY, HEREDITARY MOTOR AND SENSORY, TYPE IC. Identifiers: Orphanet 101083, MedGen C0270913, MONDO:0010995, OMIM 601098.

Allele frequency attached by ClinVar (database versions not stated): 1000 Genomes Project 30x 0.00156; 1000 Genomes Project 0.00180.
gnomAD v4.1: 150 of 454,244 alleles (0.033%); highest among the groups gnomAD compares: East Asian, 0.93%; 1 homozygote.

Submission:

Illumina Laboratory Services, Illumina
Classification: Benign for Charcot-Marie-Tooth disease type 1C. Last evaluated: 2018-01-13. Review status: criteria provided, single submitter. Criteria: ICSL Variant Classification Criteria 13 December 2019. Collection method: clinical testing. Allele origin: germline.
Comment: This variant was observed in the ICSL laboratory as part of a predisposition screen in an ostensibly healthy population. It had not been previously curated by ICSL or reported in the Human Gene Mutation Database (HGMD: prior to June 1st, 2018), and was therefore a candidate for classification through an automated scoring system. Utilizing variant allele frequency, disease prevalence and penetrance estimates, and inheritance mode, an automated score was calculated to assess if this variant is too frequent to cause the disease. Based on the score and internal cut-off values, a variant classified as benign is not then subjected to further curation. The score for this variant resulted in a classification of benign for this disease.

NM_001136472.2(LITAF):c.*453C>A

Gene: LITAF (lipopolysaccharide induced TNF factor; minus strand). Cytogenetic location: 16p13.13.
Variant type: single nucleotide variant.
Coding change: c.*453C>A on transcript NM_001136472.2 (MANE Select); 453 bases downstream of the stop codon, C replaced by A.
Molecular consequence: 3 prime UTR variant. On other transcripts: non-coding transcript variant (1).
Genome position (GRCh38, 1-based): chr16:11,549,184, G>T on the plus strand (C>A on the coding strand, the complement: LITAF is on the minus strand). VCF-style: chr16-11549184-G-T. GRCh37 (hg19) VCF-style: chr16-11643040-G-T.
Other names: c.*578C>A (NM_001136473.1); c.*453C>A (NM_004862.4).
Identifiers: ClinVar variation 317771 (VCV000317771.5), dbSNP rs192516633, ClinGen allele CA10647732.